The following is an entry in ClinVar:

ClinVar aggregate classification (germline): Benign/Likely benign. Review status: criteria provided, multiple submitters, no conflicts (2 of 4 stars). 4 submissions from 4 submitters: Benign (1); Likely benign (3). Last evaluated 2024-11-12.

Allele frequency attached by ClinVar (database versions not stated): 1000 Genomes Project 30x 0.00016; 1000 Genomes Project 0.00020; gnomAD exomes 0.00135; TOPMed 0.00138; ExAC 0.00159; ESP Exome Variant Server 0.00185.
gnomAD v4.1: 3,357 of 1,613,924 alleles (0.21%); highest among the groups gnomAD compares: Non-Finnish European, 0.27%; 2 homozygotes.

Submissions (4):

Blueprint Genetics
Classification: Likely benign. Last evaluated: 2024-11-12. Review status: criteria provided, single submitter. Criteria: ACMG Guidelines, 2015. Collection method: clinical testing. Allele origin: germline.

CeGaT Center for Human Genetics Tuebingen
Classification: Likely benign. Last evaluated: 2023-11-01. Review status: criteria provided, single submitter. Criteria: CeGaT Center For Human Genetics Tuebingen Variant Classification Criteria Version 2. Collection method: clinical testing. Allele origin: germline. Affected: yes. Observed: 1 variant allele.
Comment: GFI1B: BP4

Women's Health and Genetics/Laboratory Corporation of America, LabCorp
Classification: Likely benign. Last evaluated: 2022-09-20. Review status: criteria provided, single submitter. Criteria: LabCorp Variant Classification Summary - May 2015. Collection method: clinical testing. Allele origin: germline.
Comment: Variant summary: GFI1B c.293C>T (p.Ser98Leu) results in a non-conservative amino acid change in the encoded protein sequence. Three of five in-silico tools predict a benign effect of the variant on protein function. The variant allele was found at a frequency of 0.0013 in 282826 control chromosomes (gnomAD). The observed variant frequency is approximately 2133 fold of the estimated maximal expected allele frequency for a pathogenic variant in GFI1B causing Platelet-Type Bleeding Disorder 17 phenotype (6.3e-07), strongly suggesting that the variant is benign. To our knowledge, no occurrence of c.293C>T in individuals affected with Platelet-Type Bleeding Disorder 17 and no experimental evidence demonstrating its impact on protein function have been reported. One ClinVar submitter (evaluation after 2014) cites the variant as benign. Based on the evidence outlined above, the variant was classified as likely benign.

Labcorp Genetics (formerly Invitae), Labcorp
Classification: Benign. Last evaluated: 2019-12-31. Review status: criteria provided, single submitter. Criteria: Invitae Variant Classification Sherloc (09022015). Collection method: clinical testing. Allele origin: germline.

NM_001377304.1(GFI1B):c.293C>T (p.Ser98Leu)

Gene: GFI1B (growth factor independent 1B transcriptional repressor; plus strand). Cytogenetic location: 9q34.13.
Variant type: single nucleotide variant.
Coding change: c.293C>T on transcript NM_001377304.1 (MANE Select); coding-DNA position 293, C replaced by T.
Protein change: p.Ser98Leu; replaces serine 98 with leucine.
Molecular consequence: missense variant.
Genome position (GRCh38, 1-based): chr9:132,988,251, C>T. VCF-style: chr9-132988251-C-T. GRCh37 (hg19) VCF-style: chr9-135863638-C-T.
Other names: c.293C>T, p.Ser98Leu (NM_001135031.2, NM_001371908.1, NM_001377305.1 and 1 more transcripts); short protein forms S98L.
Identifiers: ClinVar variation 712063 (VCV000712063.29), dbSNP rs143926538, ClinGen allele CA5301904.